The following is an entry in ClinVar:

NM_015559.3(SETBP1):c.1520C>T (p.Pro507Leu)

Gene: SETBP1 (SET binding protein 1; plus strand). Cytogenetic location: 18q12.3.
Variant type: single nucleotide variant.
Coding change: c.1520C>T on transcript NM_015559.3 (MANE Select); coding-DNA position 1520, C replaced by T.
Protein change: p.Pro507Leu; replaces proline 507 with leucine.
Molecular consequence: missense variant.
Genome position (GRCh38, 1-based): chr18:44,950,860, C>T. VCF-style: chr18-44950860-C-T. GRCh37 (hg19) VCF-style: chr18-42530825-C-T.
Other names: c.1520C>T, p.Pro507Leu (NM_001379141.1, NM_001379142.1, NM_001410862.1); short protein forms P507L.
Identifiers: ClinVar variation 4819938 (VCV004819938.1).
Genomic context (GRCh38, chr18:44,950,860, plus strand): 5'-AGAAAGTTATCCCAGGAGGTGTGTCTAAGCCGCGGAAGCCACCCATGGTCATGACACCTC[C>T]AACGTGCACAGATCACTCTCCATCCAGAAAGCTGCCAGAAATCCAGCATCCAAAATTTGC-3'
Protein context (NP_056374.2, residues 497-517): PRKPPMVMTP[Pro507Leu]TCTDHSPSRK

ClinVar aggregate classification (germline): Likely benign (1 of 4 stars; one submission).

Conditions:
Intellectual developmental disorder, autosomal dominant 29. Also called: Intellectual disability, autosomal dominant 29; SETBP1 Haploinsufficiency Disorder. Identifiers: Orphanet 436151, MedGen C4015141, MONDO:0014482, OMIM 616078.

Submission:

Centre for Medical Genetics,  Mumbai
Classification: Likely benign for Intellectual developmental disorder, autosomal dominant 29. Last evaluated: 2026-03-16. Review status: criteria provided, single submitter. Criteria: ACMG Guidelines, 2015. Collection method: provider interpretation. Allele origin: germline. Inheritance: Autosomal dominant inheritance. Affected: no. Observed: 1 variant allele, 1 heterozygote.
Comment: The variant satisfies PM2 criteria; Extremely low frequency in gnomAD population databases. The variant satisfies BP4 criteria; For a missense or a splice region variant, computational prediction tools unanimously support a benign effect on the gene. However, the variant satisfies BS2 criteria.

Literature cited by the submitters: PubMed 25217958.